The following is an entry in ClinVar:

NM_001166108.2(PALLD):c.1965-12653C>G

Gene: PALLD (palladin, cytoskeletal associated protein; plus strand). Cytogenetic location: 4q32.3.
Variant type: single nucleotide variant.
Coding change: c.1965-12653C>G on transcript NM_001166108.2 (MANE Select); 12653 bases into the intron before coding-DNA position 1965, C replaced by G.
Molecular consequence: intron variant. On other transcripts: missense variant (1).
Genome position (GRCh38, 1-based): chr4:168,878,269, C>G. VCF-style: chr4-168878269-C-G. GRCh37 (hg19) VCF-style: chr4-169799420-C-G.
Other names: c.378C>G, p.Cys126Trp (NM_001166110.2); c.1965-12653C>G (NM_016081.4); c.819-12653C>G (NM_001166109.2); c.-157-12653C>G (NM_001367570.1, NM_001367568.1, NM_001367567.1 and 1 more transcripts); short protein forms C126W.
Identifiers: ClinVar variation 3885301 (VCV003885301.1).

ClinVar aggregate classification (germline): Uncertain significance (1 of 4 stars; one submission).

Submission:

Ambry Genetics
Classification: Uncertain significance. Last evaluated: 2025-01-09. Review status: criteria provided, single submitter. Criteria: Ambry Variant Classification Scheme 2023. Collection method: clinical testing. Allele origin: germline.
Comment: The p.C126W variant (also known as c.378C>G), located in coding exon 1 of the PALLD gene, results from a C to G substitution at nucleotide position 378. The cysteine at codon 126 is replaced by tryptophan, an amino acid with highly dissimilar properties. This amino acid position is conserved. In addition, this alteration is predicted to be tolerated by in silico analysis. Based on the available evidence, the clinical significance of this variant remains unclear.